The following is an entry in ClinVar:

ClinVar aggregate classification (germline): Benign. Review status: criteria provided, multiple submitters, no conflicts (2 of 4 stars). 3 submissions from 3 submitters: Benign (2). 1 of the submissions does not count toward it. Last evaluated 2026-01-25.

Conditions:
PITRM1-related disorder. Also called: PITRM1-related condition.

Allele frequency attached by ClinVar (database versions not stated): 1000 Genomes Project 0.00899; 1000 Genomes Project 30x 0.00921; gnomAD exomes 0.01804; gnomAD 0.01875 and 0.01927; TOPMed 0.01914; ExAC 0.02005; ESP Exome Variant Server 0.02293.

Submissions (3):

Labcorp Genetics (formerly Invitae), Labcorp
Classification: Benign. Last evaluated: 2026-01-25. Review status: criteria provided, single submitter. Criteria: Invitae Variant Classification Sherloc (09022015). Collection method: clinical testing. Allele origin: germline.

Breakthrough Genomics
Classification: Benign. Review status: criteria provided, single submitter. Criteria: ACMG Guidelines, 2015. Collection method: not provided. Allele origin: germline. Inheritance: Autosomal recessive inheritance. Affected: yes.

PreventionGenetics, part of Exact Sciences
Classification: Benign for PITRM1-related condition. Last evaluated: 2019-11-19. Review status: no assertion criteria provided. Collection method: clinical testing. Allele origin: germline. Not counted in ClinVar's aggregate classification.
Comment: This variant is classified as benign based on ACMG/AMP sequence variant interpretation guidelines (Richards et al. 2015 PMID: 25741868, with internal and published modifications).

NM_014889.4(PITRM1):c.3049G>A (p.Gly1017Ser)

Gene: PITRM1 (pitrilysin metallopeptidase 1; minus strand). Cytogenetic location: 10p15.2.
Variant type: single nucleotide variant.
Coding change: c.3049G>A on transcript NM_014889.4 (MANE Select); coding-DNA position 3049, G replaced by A.
Protein change: p.Gly1017Ser; replaces glycine 1017 with serine.
Molecular consequence: missense variant. On other transcripts: non-coding transcript variant (4).
Genome position (GRCh38, 1-based): chr10:3,138,096, C>T on the plus strand (G>A on the coding strand, the complement: PITRM1 is on the minus strand). VCF-style: chr10-3138096-C-T. GRCh37 (hg19) VCF-style: chr10-3180288-C-T.
Other names: c.3052G>A, p.Gly1018Ser (NM_001242307.2); c.2755G>A, p.Gly919Ser (NM_001242309.1); c.2851G>A, p.Gly951Ser (NM_001347725.2); c.2236G>A, p.Gly746Ser (NM_001347726.2); c.2434G>A, p.Gly812Ser (NM_001347727.2); c.1744G>A, p.Gly582Ser (NM_001347728.2); c.3025G>A, p.Gly1009Ser (NM_001347729.1); c.2827G>A, p.Gly943Ser (NM_001347730.1); and 1 more; short protein forms G1009S, G1017S, G1018S, G582S, G746S, G812S, G919S, G943S.
Identifiers: ClinVar variation 1628450 (VCV001628450.11), dbSNP rs35779348, ClinGen allele CA5387019.
Genomic context (GRCh38, chr10:3,138,096, plus strand): 5'-GGATGATCCAGGATGGGTCCTTGGCAATTTTCGGGTTCTCGGGTCCGAGGATGGCCAGGC[C>T]GTGTGTGCTCTTCCCAGTGCCGAGGTATCTGAGAGGAAGGCAGGCGTGGTCAGCAAGGAC-3'
Protein context (NP_055704.2, residues 1007-1027): RYLGTGKSTH[Gly1017Ser]LAILGPENPK